The following is an entry in ClinVar:

ClinVar aggregate classification (germline): Uncertain significance (1 of 4 stars; one submission).

Conditions:
Familial adenomatous polyposis 1 (FAP1). Also called: FAMILIAL ADENOMATOUS POLYPOSIS 1, ATTENUATED; POLYPOSIS, ADENOMATOUS INTESTINAL. Identifiers: MedGen C2713442, MONDO:0021056, OMIM 175100. Disease mechanism: loss of function.

Submission:

Labcorp Genetics (formerly Invitae), Labcorp
Classification: Uncertain significance for Familial adenomatous polyposis 1. Last evaluated: 2026-01-25. Review status: criteria provided, single submitter. Criteria: Invitae Variant Classification Sherloc (09022015). Collection method: clinical testing. Allele origin: germline.
Comment: This sequence change replaces serine, which is neutral and polar, with alanine, which is neutral and non-polar, at codon 1968 of the APC protein (p.Ser1968Ala). This variant is not present in population databases (gnomAD no frequency). This variant has not been reported in the literature in individuals affected with APC-related conditions. Invitae Evidence Modeling of protein sequence and biophysical properties (such as structural, functional, and spatial information, amino acid conservation, physicochemical variation, residue mobility, and thermodynamic stability) indicates that this missense variant is not expected to disrupt APC protein function with a negative predictive value of 95%. In summary, the available evidence is currently insufficient to determine the role of this variant in disease. Therefore, it has been classified as a Variant of Uncertain Significance.

NM_000038.6(APC):c.5902T>G (p.Ser1968Ala)

Gene: APC (APC regulator of Wnt signaling pathway; plus strand). Cytogenetic location: 5q22.2.
Variant type: single nucleotide variant.
Coding change: c.5902T>G on transcript NM_000038.6 (MANE Select); coding-DNA position 5902, T replaced by G.
Protein change: p.Ser1968Ala; replaces serine 1968 with alanine.
Molecular consequence: missense variant. On other transcripts: non-coding transcript variant (2).
Genome position (GRCh38, 1-based): chr5:112,841,496, T>G. VCF-style: chr5-112841496-T-G. GRCh37 (hg19) VCF-style: chr5-112177193-T-G.
Other names: c.5902T>G, p.Ser1968Ala (NM_001127510.3, NM_001354895.2, NM_001407450.1); c.5848T>G, p.Ser1950Ala (NM_001127511.3); c.5956T>G, p.Ser1986Ala (NM_001354896.2, NM_001407447.1, NM_001407448.1 and 1 more transcripts); c.5932T>G, p.Ser1978Ala (NM_001354897.2); c.5827T>G, p.Ser1943Ala (NM_001354898.2); c.5818T>G, p.Ser1940Ala (NM_001354899.2); c.5779T>G, p.Ser1927Ala (NM_001354900.2); c.5725T>G, p.Ser1909Ala (NM_001354901.2, NM_001407453.1); and 11 more; short protein forms S1584A, S1685A, S1808A, S1839A, S1842A, S1867A, S1877A, S1885A.
Identifiers: ClinVar variation 4801500 (VCV004801500.1).